The following is an entry in ClinVar:

NM_018946.4(NANS):c.758C>T (p.Ser253Leu)

Genes: NANS (N-acetylneuraminate synthase; plus strand), TRIM14 (tripartite motif containing 14; minus strand). Cytogenetic location: 9q22.33.
Variant type: single nucleotide variant.
Coding change: c.758C>T on transcript NM_018946.4 (MANE Select); coding-DNA position 758, C replaced by T.
Protein change: p.Ser253Leu; replaces serine 253 with leucine.
Molecular consequence: missense variant.
Genome position (GRCh38, 1-based): chr9:98,080,970, C>T. VCF-style: chr9-98080970-C-T. GRCh37 (hg19) VCF-style: chr9-100843252-C-T.
Other names: short protein forms S253L.
Identifiers: ClinVar variation 1402529 (VCV001402529.8), dbSNP rs1483044560, ClinGen allele CA374201363.

ClinVar aggregate classification (germline): Uncertain significance (1 of 4 stars; one submission).

Allele frequency attached by ClinVar (database versions not stated): gnomAD 0.00001; gnomAD exomes 0.00001; TOPMed 0.00001.
gnomAD v4.1: 12 of 1,614,054 alleles (0.00074%); highest among the groups gnomAD compares: Non-Finnish European, 0.001%; no homozygotes.

Submission:

Labcorp Genetics (formerly Invitae), Labcorp
Classification: Uncertain significance. Last evaluated: 2022-06-20. Review status: criteria provided, single submitter. Criteria: Invitae Variant Classification Sherloc (09022015). Collection method: clinical testing. Allele origin: germline.
Comment: In summary, the available evidence is currently insufficient to determine the role of this variant in disease. Therefore, it has been classified as a Variant of Uncertain Significance. Algorithms developed to predict the effect of missense changes on protein structure and function (SIFT, PolyPhen-2, Align-GVGD) all suggest that this variant is likely to be disruptive. This variant has not been reported in the literature in individuals affected with NANS-related conditions. This variant is not present in population databases (gnomAD no frequency). This sequence change replaces serine, which is neutral and polar, with leucine, which is neutral and non-polar, at codon 253 of the NANS protein (p.Ser253Leu).